The following is an entry in ClinVar:

NM_024675.4(PALB2):c.2891G>C (p.Gly964Ala)

Gene: PALB2 (partner and localizer of BRCA2; minus strand). Cytogenetic location: 16p12.2.
Variant type: single nucleotide variant.
Coding change: c.2891G>C on transcript NM_024675.4 (MANE Select); coding-DNA position 2891, G replaced by C.
Protein change: p.Gly964Ala; replaces glycine 964 with alanine.
Molecular consequence: missense variant.
Genome position (GRCh38, 1-based): chr16:23,623,074, C>G on the plus strand (G>C on the coding strand, the complement: PALB2 is on the minus strand). VCF-style: chr16-23623074-C-G. GRCh37 (hg19) VCF-style: chr16-23634395-C-G.
Other names: c.2831G>C, p.Gly944Ala (NM_001407296.1); c.2819G>C, p.Gly940Ala (NM_001407297.1); c.2729G>C, p.Gly910Ala (NM_001407298.1, NM_001407302.1); c.2891G>C, p.Gly964Ala (NM_001407299.1, NM_001407301.1); c.2006G>C, p.Gly669Ala (NM_001407304.1, NM_001407305.1, NM_001407306.1 and 4 more transcripts); c.1844G>C, p.Gly615Ala (NM_001407307.1); c.1103G>C, p.Gly368Ala (NM_001407312.1, NM_001407313.1); c.425G>C, p.Gly142Ala (NM_001407314.1); short protein forms G368A, G964A, G142A, G615A, G910A, G940A, G669A, G944A.
Identifiers: ClinVar variation 1797315 (VCV001797315.2), dbSNP rs2142336660, ClinGen allele CA395144307.

ClinVar aggregate classification (germline): Uncertain significance (1 of 4 stars; one submission).

Conditions:
Hereditary cancer-predisposing syndrome. Also called: Tumor predisposition; Hereditary Cancer Syndrome; Neoplastic Syndromes, Hereditary; Hereditary neoplastic syndrome. Identifiers: Orphanet 140162, MedGen C0027672, MeSH D009386, MONDO:0015356.

Submission:

Ambry Genetics
Classification: Uncertain significance for Hereditary cancer-predisposing syndrome. Last evaluated: 2019-10-21. Review status: criteria provided, single submitter. Criteria: Ambry Variant Classification Scheme 2023. Collection method: clinical testing. Allele origin: germline.
Comment: The p.G964A variant (also known as c.2891G>C), located in coding exon 9 of the PALB2 gene, results from a G to C substitution at nucleotide position 2891. The glycine at codon 964 is replaced by alanine, an amino acid with similar properties. This amino acid position is highly conserved in available vertebrate species. In addition, the in silico prediction for this alteration is inconclusive. Since supporting evidence is limited at this time, the clinical significance of this alteration remains unclear.